The following is an entry in ClinVar:

NM_001041.4(SI):c.3556C>T (p.Arg1186Cys)

Gene: SI (sucrase-isomaltase; minus strand). Cytogenetic location: 3q26.1.
Variant type: single nucleotide variant.
Coding change: c.3556C>T on transcript NM_001041.4 (MANE Select); coding-DNA position 3556, C replaced by T.
Protein change: p.Arg1186Cys; replaces arginine 1186 with cysteine.
Molecular consequence: missense variant.
Genome position (GRCh38, 1-based): chr3:165,017,838, G>A on the plus strand (C>T on the coding strand, the complement: SI is on the minus strand). VCF-style: chr3-165017838-G-A. GRCh37 (hg19) VCF-style: chr3-164735626-G-A.
Other names: c.3556C>T (NM_001041.3); short protein forms R1186C.
Identifiers: ClinVar variation 3620774 (VCV003620774.2).
Genomic context (GRCh38, chr3:165,017,838, plus strand): 5'-TTGCAACTTCTGGAGTTGGGCCCAAAAACATATAAAAATCCAAGATCCCTCCAACTGTAC[G>A]GTAAGTTAGAGCAGGAGTTGGCTGGAATGTAACATCTGGAAATCCAAAATAACATCCCAT-3'
Protein context (NP_001032.2, residues 1176-1196): TFQPTPALTY[Arg1186Cys]TVGGILDFYM

ClinVar aggregate classification (germline): Uncertain significance. Review status: criteria provided, multiple submitters, no conflicts (2 of 4 stars). 2 submissions from 2 submitters: Uncertain significance (2). Last evaluated 2025-02-19.

Conditions:
Inborn genetic diseases. Identifiers: MedGen C0950123, MeSH D030342.

gnomAD v4.1: 17 of 1,612,878 alleles (0.0011%); highest among the groups gnomAD compares: Non-Finnish European, 0.0013%; no homozygotes.

Submissions (2):

Ambry Genetics
Classification: Uncertain significance for Inborn genetic diseases. Last evaluated: 2025-02-19. Review status: criteria provided, single submitter. Criteria: Ambry Variant Classification Scheme 2023. Collection method: clinical testing. Allele origin: germline.

Labcorp Genetics (formerly Invitae), Labcorp
Classification: Uncertain significance. Last evaluated: 2024-04-16. Review status: criteria provided, single submitter. Criteria: Invitae Variant Classification Sherloc (09022015). Collection method: clinical testing. Allele origin: germline.
Comment: This sequence change replaces arginine, which is basic and polar, with cysteine, which is neutral and slightly polar, at codon 1186 of the SI protein (p.Arg1186Cys). This variant is present in population databases (rs766427142, gnomAD 0.003%). This variant has not been reported in the literature in individuals affected with SI-related conditions. Advanced modeling of protein sequence and biophysical properties (such as structural, functional, and spatial information, amino acid conservation, physicochemical variation, residue mobility, and thermodynamic stability) has been performed at Invitae for this missense variant, however the output from this modeling did not meet the statistical confidence thresholds required to predict the impact of this variant on SI protein function. In summary, the available evidence is currently insufficient to determine the role of this variant in disease. Therefore, it has been classified as a Variant of Uncertain Significance.